The following is an entry in ClinVar:

NM_002449.5(MSX2):c.386T>G (p.Met129Arg)

Gene: MSX2 (msh homeobox 2; plus strand). Cytogenetic location: 5q35.2.
Variant type: single nucleotide variant.
Coding change: c.386T>G on transcript NM_002449.5 (MANE Select); coding-DNA position 386, T replaced by G.
Protein change: p.Met129Arg; replaces methionine 129 with arginine.
Molecular consequence: missense variant. On other transcripts: 3 prime UTR variant (1).
Genome position (GRCh38, 1-based): chr5:174,729,165, T>G. VCF-style: chr5-174729165-T-G. GRCh37 (hg19) VCF-style: chr5-174156168-T-G.
Other names: c.*10T>G (NM_001363626.2); short protein forms M129R.
Identifiers: ClinVar variation 3701851 (VCV003701851.2).

ClinVar aggregate classification (germline): Uncertain significance (1 of 4 stars; one submission).

Conditions:
Cranium bifidum occultum. Also called: Enlarged Parietal Foramina; CATLIN MARKS; CRANIUM BIFIDUM, HEREDITARY. Identifiers: MedGen C1868598, HP:0004423.

Submission:

Labcorp Genetics (formerly Invitae), Labcorp
Classification: Uncertain significance for Cranium bifidum occultum. Last evaluated: 2024-07-26. Review status: criteria provided, single submitter. Criteria: Invitae Variant Classification Sherloc (09022015). Collection method: clinical testing. Allele origin: germline.
Comment: This sequence change replaces methionine, which is neutral and non-polar, with arginine, which is basic and polar, at codon 129 of the MSX2 protein (p.Met129Arg). This variant is present in population databases (rs4242182, gnomAD 0.006%). This variant has not been reported in the literature in individuals affected with MSX2-related conditions. Advanced modeling of protein sequence and biophysical properties (such as structural, functional, and spatial information, amino acid conservation, physicochemical variation, residue mobility, and thermodynamic stability) performed at Invitae indicates that this missense variant is not expected to disrupt MSX2 protein function with a negative predictive value of 80%. In summary, the available evidence is currently insufficient to determine the role of this variant in disease. Therefore, it has been classified as a Variant of Uncertain Significance.